The following is an entry in ClinVar:

ClinVar aggregate classification (germline): Benign (1 of 4 stars; one submission).

Allele frequency attached by ClinVar (database versions not stated): gnomAD 0.03807 and 0.04098; 1000 Genomes Project 0.04014; 1000 Genomes Project 30x 0.04232; TOPMed 0.04379.
gnomAD v4.1: 5,744 of 152,290 alleles (3.8%); highest among the groups gnomAD compares: African/African-American, 13%; 357 homozygotes.

Submission:

GeneDx
Classification: Benign. Last evaluated: 2018-06-14. Review status: criteria provided, single submitter. Criteria: GeneDx Variant Classification (06012015). Collection method: clinical testing. Allele origin: germline. Affected: yes.
Comment: This variant is considered likely benign or benign based on one or more of the following criteria: it is a conservative change, it occurs at a poorly conserved position in the protein, it is predicted to be benign by multiple in silico algorithms, and/or has population frequency not consistent with disease.

NM_004408.4(DNM1):c.1422+292A>G

Gene: DNM1 (dynamin 1; plus strand). Cytogenetic location: 9q34.11.
Variant type: single nucleotide variant.
Coding change: c.1422+292A>G on transcript NM_004408.4 (MANE Select); 292 bases into the intron after coding-DNA position 1422, A replaced by G.
Molecular consequence: intron variant.
Genome position (GRCh38, 1-based): chr9:128,234,399, A>G. VCF-style: chr9-128234399-A-G. GRCh37 (hg19) VCF-style: chr9-130996678-A-G.
Other names: c.1422+292A>G (NM_001005336.3, NM_001288738.2, NM_001288737.2 and 1 more transcripts).
Identifiers: ClinVar variation 681007 (VCV000681007.1), dbSNP rs149013231, ClinGen allele CA200357869.